The following is an entry in ClinVar:

NM_177438.3(DICER1):c.3808G>A (p.Val1270Met)

Gene: DICER1 (dicer 1, ribonuclease III; minus strand). Cytogenetic location: 14q32.13.
Variant type: single nucleotide variant.
Coding change: c.3808G>A on transcript NM_177438.3 (MANE Select); coding-DNA position 3808, G replaced by A.
Protein change: p.Val1270Met; replaces valine 1270 with methionine.
Molecular consequence: missense variant.
Genome position (GRCh38, 1-based): chr14:95,103,588, C>T on the plus strand (G>A on the coding strand, the complement: DICER1 is on the minus strand). VCF-style: chr14-95103588-C-T. GRCh37 (hg19) VCF-style: chr14-95569925-C-T.
Other names: c.3808G>A, p.Val1270Met (NM_001195573.1, NM_001271282.3, NM_001291628.2 and 1 more transcripts); short protein forms V1270M.
Identifiers: ClinVar variation 577909 (VCV000577909.13), dbSNP rs1566767339, ClinGen allele CA390873404.

ClinVar aggregate classification (germline): Conflicting classifications of pathogenicity. Review status: criteria provided, conflicting classifications (1 of 4 stars). 2 submissions from 2 submitters: Uncertain significance (1); Likely benign (1). Last evaluated 2025-09-18.

Conditions:
DICER1-related tumor predisposition. Also called: DICER1 syndrome; DICER1-related pleuropulmonary blastoma cancer predisposition syndrome. Identifiers: Orphanet 284343, MedGen C3839822, MONDO:0100216.
Hereditary cancer-predisposing syndrome. Also called: Hereditary neoplastic syndrome; Tumor predisposition; Hereditary Cancer Syndrome; Neoplastic Syndromes, Hereditary. Identifiers: Orphanet 140162, MedGen C0027672, MeSH D009386, MONDO:0015356.

Submissions (2):

Ambry Genetics
Classification: Likely benign for Hereditary cancer-predisposing syndrome. Last evaluated: 2025-09-18. Review status: criteria provided, single submitter. Criteria: Ambry Variant Classification Scheme 2023. Collection method: clinical testing. Allele origin: germline.

Labcorp Genetics (formerly Invitae), Labcorp
Classification: Uncertain significance for DICER1-related tumor predisposition. Last evaluated: 2022-01-27. Review status: criteria provided, single submitter. Criteria: Invitae Variant Classification Sherloc (09022015). Collection method: clinical testing. Allele origin: germline.
Comment: This variant has not been reported in the literature in individuals affected with DICER1-related conditions. ClinVar contains an entry for this variant (Variation ID: 577909). This variant is not present in population databases (gnomAD no frequency). This sequence change replaces valine, which is neutral and non-polar, with methionine, which is neutral and non-polar, at codon 1270 of the DICER1 protein (p.Val1270Met). In summary, the available evidence is currently insufficient to determine the role of this variant in disease. Therefore, it has been classified as a Variant of Uncertain Significance. Algorithms developed to predict the effect of missense changes on protein structure and function (SIFT, PolyPhen-2, Align-GVGD) all suggest that this variant is likely to be tolerated.